The following is an entry in ClinVar:

NM_000493.4(COL10A1):c.1167_1310del (p.Tyr390_Gly437del)

Genes: COL10A1 (collagen type X alpha 1 chain; minus strand), NT5DC1 (5'-nucleotidase domain containing 1; plus strand). Cytogenetic location: 6q22.1.
Variant type: Deletion.
Coding change: c.1167_1310del on transcript NM_000493.4 (MANE Select); coding-DNA positions 1167 to 1310, 144 bases deleted.
Protein change: p.Tyr390_Gly437del.
Molecular consequence: inframe deletion. On other transcripts: intron variant (1).
Genome position (GRCh38, 1-based): chr6:116,120,806-116,120,949, 144 bases deleted. GRCh37 (hg19): chr6:116,441,971-116,442,114.
Other names: c.1167_1310del, p.Tyr390_Gly437del (NM_001424106.1, NM_001424107.1); c.529+2863_529+3006del (NM_152729.3).
Identifiers: ClinVar variation 2027114 (VCV002027114.4), dbSNP rs2534087276, ClinGen allele CA2580074805.

ClinVar aggregate classification (germline): Uncertain significance (1 of 4 stars; one submission).

Submission:

Labcorp Genetics (formerly Invitae), Labcorp
Classification: Uncertain significance. Last evaluated: 2025-09-11. Review status: criteria provided, single submitter. Criteria: Invitae Variant Classification Sherloc (09022015). Collection method: clinical testing. Allele origin: germline.
Comment: This variant, c.1167_1310del, results in the deletion of 48 amino acid(s) of the COL10A1 protein (p.Tyr390_Gly437del), but otherwise preserves the integrity of the reading frame. This variant is not present in population databases (gnomAD no frequency). This variant has not been reported in the literature in individuals affected with COL10A1-related conditions. ClinVar contains an entry for this variant (Variation ID: 2027114). Experimental studies and prediction algorithms are not available or were not evaluated, and the functional significance of this variant is currently unknown. In summary, the available evidence is currently insufficient to determine the role of this variant in disease. Therefore, it has been classified as a Variant of Uncertain Significance.